The following is an entry in ClinVar:

ClinVar aggregate classification (germline): Uncertain significance (1 of 4 stars; one submission).

Conditions:
Early-infantile DEE. Also called: Early infantile epileptic encephalopathy; Ohtahara syndrome; Early infantile epileptic encephalopathy with suppression bursts. Identifiers: Orphanet 1934, MedGen C0393706, MONDO:0800491.

Allele frequency attached by ClinVar (database versions not stated): ExAC 0.00002; gnomAD exomes 0.00002.
gnomAD v4.1: 5 of 1,614,160 alleles (0.00031%); highest among the groups gnomAD compares: Admixed American, 0.005%; no homozygotes.

Submission:

Labcorp Genetics (formerly Invitae), Labcorp
Classification: Uncertain significance for Early-infantile DEE. Last evaluated: 2022-08-22. Review status: criteria provided, single submitter. Criteria: Invitae Variant Classification Sherloc (09022015). Collection method: clinical testing. Allele origin: germline.
Comment: In summary, the available evidence is currently insufficient to determine the role of this variant in disease. Therefore, it has been classified as a Variant of Uncertain Significance. Variants that disrupt the consensus splice site are a relatively common cause of aberrant splicing (PMID: 17576681, 9536098). Algorithms developed to predict the effect of sequence changes on RNA splicing suggest that this variant is not likely to affect RNA splicing. ClinVar contains an entry for this variant (Variation ID: 1417696). This variant has not been reported in the literature in individuals affected with SPTAN1-related conditions. This variant is present in population databases (rs751573290, gnomAD 0.01%). This sequence change falls in intron 16 of the SPTAN1 gene. It does not directly change the encoded amino acid sequence of the SPTAN1 protein. It affects a nucleotide within the consensus splice site.

Literature cited by the submitters: PubMed 17576681; PubMed 9536098.

NM_001130438.3(SPTAN1):c.2193+6G>C

Gene: SPTAN1 (spectrin alpha, non-erythrocytic 1; plus strand). Cytogenetic location: 9q34.11.
Variant type: single nucleotide variant.
Coding change: c.2193+6G>C on transcript NM_001130438.3 (MANE Select); 6 bases into the intron after coding-DNA position 2193, G replaced by C.
Molecular consequence: intron variant.
Genome position (GRCh38, 1-based): chr9:128,583,975, G>C. VCF-style: chr9-128583975-G-C. GRCh37 (hg19) VCF-style: chr9-131346254-G-C.
Other names: c.2229+6G>C (NM_001375318.1, NM_001375312.2); c.2193+6G>C (NM_001375311.2, NM_001375314.2, NM_001375310.1 and 5 more transcripts).
Identifiers: ClinVar variation 1417696 (VCV001417696.7), dbSNP rs751573290, ClinGen allele CA5264581.